The following is an entry in ClinVar:

NM_004517.4(ILK):c.78C>A (p.Asp26Glu)

Genes: ILK (integrin linked kinase; plus strand), LOC130005201 (ATAC-STARR-seq lymphoblastoid active region 4345; plus strand). Cytogenetic location: 11p15.4.
Variant type: single nucleotide variant.
Coding change: c.78C>A on transcript NM_004517.4 (MANE Select); coding-DNA position 78, C replaced by A.
Protein change: p.Asp26Glu; replaces aspartic acid 26 with glutamic acid.
Molecular consequence: missense variant. On other transcripts: 5 prime UTR variant (1).
Genome position (GRCh38, 1-based): chr11:6,604,349, C>A. VCF-style: chr11-6604349-C-A. GRCh37 (hg19) VCF-style: chr11-6625579-C-A.
Other names: c.78C>A, p.Asp26Glu (NM_001014794.3, NM_001014795.3, NM_001278441.2); c.-159C>A (NM_001278442.2); short protein forms D26E.
Identifiers: ClinVar variation 2566097 (VCV002566097.2), dbSNP rs2493738210, ClinGen allele CA379452126.

ClinVar aggregate classification (germline): Uncertain significance (1 of 4 stars; one submission).

Submission:

Ambry Genetics
Classification: Uncertain significance. Last evaluated: 2023-04-01. Review status: criteria provided, single submitter. Criteria: Ambry Variant Classification Scheme 2023. Collection method: clinical testing. Allele origin: germline.
Comment: The p.D26E variant (also known as c.78C>A), located in coding exon 1 of the ILK gene, results from a C to A substitution at nucleotide position 78. The aspartic acid at codon 26 is replaced by glutamic acid, an amino acid with highly similar properties. This amino acid position is conserved. In addition, the in silico prediction for this alteration is inconclusive. Since supporting evidence is limited at this time, the clinical significance of this alteration remains unclear.